The following is an entry in ClinVar:

NM_004168.4(SDHA):c.1339C>T (p.His447Tyr)

Gene: SDHA (succinate dehydrogenase complex flavoprotein subunit A; plus strand). Cytogenetic location: 5p15.33.
Variant type: single nucleotide variant.
Coding change: c.1339C>T on transcript NM_004168.4 (MANE Select); coding-DNA position 1339, C replaced by T.
Protein change: p.His447Tyr; replaces histidine 447 with tyrosine.
Molecular consequence: missense variant.
Genome position (GRCh38, 1-based): chr5:236,506, C>T. VCF-style: chr5-236506-C-T. GRCh37 (hg19) VCF-style: chr5-236621-C-T.
Other names: c.1195C>T, p.His399Tyr (NM_001294332.2); c.1339C>T, p.His447Tyr (NM_001330758.2); short protein forms H399Y, H447Y.
Identifiers: ClinVar variation 1378170 (VCV001378170.8), dbSNP rs2126589966, ClinGen allele CA359013959.

ClinVar aggregate classification (germline): Uncertain significance (1 of 4 stars; one submission).

Conditions:
Mitochondrial complex II deficiency, nuclear type 1. Also called: SUCCINATE CoQ REDUCTASE DEFICIENCY. Identifiers: Orphanet 3208, MedGen C5700310, MONDO:0100294, OMIM 252011.
Pheochromocytoma/paraganglioma syndrome 5. Also called: Paragangliomas 5; SDHA-Related Hereditary Paraganglioma-Pheochromocytoma Syndrome. Identifiers: Orphanet 29072, MedGen C3279992, MONDO:0013602, OMIM 614165.

Submission:

Labcorp Genetics (formerly Invitae), Labcorp
Classification: Uncertain significance for Pheochromocytoma/paraganglioma syndrome 5; Mitochondrial complex II deficiency, nuclear type 1. Last evaluated: 2021-05-04. Review status: criteria provided, single submitter. Criteria: Invitae Variant Classification Sherloc (09022015). Collection method: clinical testing. Allele origin: germline.
Comment: This variant is not present in population databases (ExAC no frequency). This sequence change replaces histidine with tyrosine at codon 447 of the SDHA protein (p.His447Tyr). The histidine residue is highly conserved and there is a moderate physicochemical difference between histidine and tyrosine. This variant has not been reported in the literature in individuals with SDHA-related conditions. In summary, the available evidence is currently insufficient to determine the role of this variant in disease. Therefore, it has been classified as a Variant of Uncertain Significance. This variant disrupts the p.His447 amino acid residue in SDHA. Other variant(s) that disrupt this residue have been observed in individuals with SDHA-related conditions (PMID: 23797725, 28384794, Inviate), which suggests that this may be a clinically significant amino acid residue. Algorithms developed to predict the effect of missense changes on protein structure and function (SIFT, PolyPhen-2, Align-GVGD) all suggest that this variant is likely to be disruptive, but these predictions have not been confirmed by published functional studies and their clinical significance is uncertain.

Literature cited by the submitters: PubMed 23797725; PubMed 28384794.